The following is an entry in ClinVar:

ClinVar aggregate classification (germline): Likely benign. Review status: criteria provided, multiple submitters, no conflicts (2 of 4 stars). 3 submissions from 3 submitters: Likely benign (3). Last evaluated 2026-08-01.

Conditions:
Epidermolysis bullosa simplex 5C, with pyloric atresia (EBS5C). Also called: PLEC-Related Epidermolysis Bullosa with Pyloric Atresia; Epidermolysis bullosa simplex with pyloric atresia; PLEC1-Related Epidermolysis Bullosa with Pyloric Atresia. Identifiers: Orphanet 158684, MedGen C2677349, MONDO:0012807, OMIM 612138.
Epidermolysis bullosa simplex 5B, with muscular dystrophy (EBS5B). Also called: Epidermolysis bullosa simplex with muscular dystrophy; EPIDERMOLYSIS BULLOSA SIMPLEX AND LIMB-GIRDLE MUSCULAR DYSTROPHY. Identifiers: Orphanet 257, MedGen C2931072, MONDO:0009181, OMIM 226670.
Autosomal recessive limb-girdle muscular dystrophy type 2Q (LGMDR17). Also called: MUSCULAR DYSTROPHY, LIMB-GIRDLE, AUTOSOMAL RECESSIVE 17. Identifiers: Orphanet 254361, MedGen C3150989, MONDO:0013390, OMIM 613723.
Epidermolysis bullosa simplex, Ogna type (EBS5A). Also called: Pidermolysis bullosa simplex 5A, Ogna type; EPIDERMOLYSIS BULLOSA SIMPLEX 5A, OGNA TYPE. Identifiers: Orphanet 79401, MedGen C0432317, MONDO:0007555, OMIM 131950.
Epidermolysis bullosa simplex with nail dystrophy (EBS5D). Identifiers: MedGen C4225309, MONDO:0014661, OMIM 616487.

Allele frequency attached by ClinVar (database versions not stated): TOPMed 0.00005; gnomAD 0.00006 and 0.00007; gnomAD exomes 0.00007; ESP Exome Variant Server 0.00008; ExAC 0.00009; 1000 Genomes Project 30x 0.00031; 1000 Genomes Project 0.00040.

Submissions (3):

CeGaT Center for Human Genetics Tuebingen
Classification: Likely benign. Last evaluated: 2026-08-01. Review status: criteria provided, single submitter. Criteria: CeGaT Center For Human Genetics Tuebingen Variant Classification Criteria Version 2. Collection method: clinical testing. Allele origin: germline. Affected: yes. Observed: 2 variant alleles.
Comment: PLEC: BP4, BP7

Labcorp Genetics (formerly Invitae), Labcorp
Classification: Likely benign for Autosomal recessive limb-girdle muscular dystrophy type 2Q; Epidermolysis bullosa simplex, Ogna type; Epidermolysis bullosa simplex with nail dystrophy; Epidermolysis bullosa simplex 5C, with pyloric atresia; Epidermolysis bullosa simplex 5B, with muscular dystrophy. Last evaluated: 2025-10-27. Review status: criteria provided, single submitter. Criteria: Invitae Variant Classification Sherloc (09022015). Collection method: clinical testing. Allele origin: germline.

Blueprint Genetics
Classification: Likely benign. Last evaluated: 2024-08-13. Review status: criteria provided, single submitter. Criteria: ACMG Guidelines, 2015. Collection method: clinical testing. Allele origin: germline.

NM_201384.3(PLEC):c.10230C>T (p.His3410=)

Gene: PLEC (plectin; minus strand). Cytogenetic location: 8q24.3.
Variant type: single nucleotide variant.
Coding change: c.10230C>T on transcript NM_201384.3 (MANE Select); coding-DNA position 10230, C replaced by T.
Protein change: p.His3410=; no amino-acid change (histidine 3410 retained).
Molecular consequence: synonymous variant.
Genome position (GRCh38, 1-based): chr8:143,919,591, G>A on the plus strand (C>T on the coding strand, the complement: PLEC is on the minus strand). VCF-style: chr8-143919591-G-A. GRCh37 (hg19) VCF-style: chr8-144993759-G-A.
Other names: c.10311C>T, p.His3437= (NM_000445.5); c.10188C>T, p.His3396= (NM_201378.4); c.10164C>T, p.His3388= (NM_201379.3); c.10641C>T, p.His3547= (NM_201380.4); c.10134C>T, p.His3378= (NM_201381.3); c.10230C>T, p.His3410= (NM_201382.4); c.10242C>T, p.His3414= (NM_201383.3).
Identifiers: ClinVar variation 777861 (VCV000777861.36), dbSNP rs377293976, ClinGen allele CA4924717.